The following is an entry in ClinVar:

NM_001378454.1(ALMS1):c.7810T>C (p.Phe2604Leu)

Gene: ALMS1 (ALMS1 centrosome and basal body associated protein; plus strand). Cytogenetic location: 2p13.1.
Variant type: single nucleotide variant.
Coding change: c.7810T>C on transcript NM_001378454.1 (MANE Select); coding-DNA position 7810, T replaced by C.
Protein change: p.Phe2604Leu; replaces phenylalanine 2604 with leucine.
Molecular consequence: missense variant.
Genome position (GRCh38, 1-based): chr2:73,489,769, T>C. VCF-style: chr2-73489769-T-C. GRCh37 (hg19) VCF-style: chr2-73716896-T-C.
Other names: c.7813T>C, p.Phe2605Leu (NM_015120.4); short protein forms F2604L, F2605L.
Identifiers: ClinVar variation 4987718 (VCV004987718.1).
Genomic context (GRCh38, chr2:73,489,769, plus strand): 5'-AAGGGATGTTTCCGGACTCTAACTTCTGAACATCCACAACTAGATAGACACCCTTGTGCT[T>C]TCAGATCTGCTGGACCCTCAGAAATGACCAGAGGACGGCAGAACCCATCATCATGCAGAG-3'
Protein context (NP_001365383.1, residues 2594-2614): HPQLDRHPCA[Phe2604Leu]RSAGPSEMTR

ClinVar aggregate classification (germline): Uncertain significance (1 of 4 stars; one submission).

Conditions:
ALMS1-related disorder. Also called: ALMS1-related condition.

Submission:

PreventionGenetics, part of Exact Sciences
Classification: Uncertain significance for ALMS1-related condition. Last evaluated: 2026-07-01. Review status: criteria provided, single submitter. Criteria: ACMG Guidelines, 2015. Collection method: clinical testing. Allele origin: germline.
Comment: The ALMS1 c.7813T>C variant is predicted to result in the amino acid substitution p.Ser2605Pro. To our knowledge, this variant has not been reported in the literature. This variant is reported in 0.045% of alleles in individuals of East Asian descent in gnomAD. At this time, the clinical significance of this variant is uncertain due to the absence of conclusive functional and genetic evidence.